The following is an entry in ClinVar:

NM_001365276.2(TNXB):c.7825+4A>G

Gene: TNXB (tenascin XB; minus strand). Cytogenetic location: 6p21.33.
Variant type: single nucleotide variant.
Coding change: c.7825+4A>G on transcript NM_001365276.2 (MANE Select); 4 bases into the intron after coding-DNA position 7825, A replaced by G.
Molecular consequence: intron variant.
Genome position (GRCh38, 1-based): chr6:32,058,054, T>C on the plus strand (A>G on the coding strand, the complement: TNXB is on the minus strand). VCF-style: chr6-32058054-T-C. GRCh37 (hg19) VCF-style: chr6-32025831-T-C.
Other names: c.7825+4A>G (NM_019105.8); c.8566+4A>G (NM_001428335.1).
Identifiers: ClinVar variation 5031003 (VCV005031003.1).

ClinVar aggregate classification (germline): Uncertain significance (1 of 4 stars; one submission).

Conditions:
Cardiovascular phenotype. Identifiers: MedGen CN230736.

gnomAD v4.1: 7 of 1,600,526 alleles (0.00044%); highest among the groups gnomAD compares: African/African-American, 0.0013%; no homozygotes.

Submission:

Ambry Genetics
Classification: Uncertain significance for Cardiovascular phenotype. Last evaluated: 2026-09-01. Review status: criteria provided, single submitter. Criteria: Ambry Variant Classification Scheme 2023. Collection method: clinical testing. Allele origin: germline.
Comment: The c.7825+4A>G intronic variant results from an A to G substitution 4 nucleotides after coding exon 21 in the TNXB gene. This nucleotide position is highly conserved in available vertebrate species. In silico splice site analysis predicts that this alteration will result in the creation or strengthening of a novel splice donor site. Based on the available evidence, the clinical significance of this variant remains unclear.